The following is an entry in ClinVar:

ClinVar aggregate classification (germline): Benign. Review status: criteria provided, multiple submitters, no conflicts (2 of 4 stars). 12 submissions from 12 submitters: Benign (9). 3 of the submissions do not count toward it. Last evaluated 2026-02-03.

Conditions:
Spinocerebellar ataxia type 35. Identifiers: Orphanet 276193, MedGen C3888031, MONDO:0013485, OMIM 613908.

Allele frequency attached by ClinVar (database versions not stated): 1000 Genomes Project 0.87800; 1000 Genomes Project 30x 0.88273; gnomAD exomes 0.90571 and 0.91850; ExAC 0.90710; gnomAD 0.92710 and 0.93204; TOPMed 0.92872; ESP Exome Variant Server 0.93726.
gnomAD v4.1: 1,479,754 of 1,609,862 alleles (92%); highest among the groups gnomAD compares: African/African-American, 96%; 682,414 homozygotes.

Submissions (12):

Labcorp Genetics (formerly Invitae), Labcorp
Classification: Benign. Last evaluated: 2026-02-03. Review status: criteria provided, single submitter. Criteria: Invitae Variant Classification Sherloc (09022015). Collection method: clinical testing. Allele origin: germline.

Mayo Clinic Laboratories, Mayo Clinic
Classification: Benign. Last evaluated: 2022-03-24. Review status: criteria provided, single submitter. Criteria: ACMG Guidelines, 2015. Collection method: clinical testing. Allele origin: germline. Observed: 481 variant alleles.

Genome-Nilou Lab
Classification: Benign for Spinocerebellar ataxia type 35. Last evaluated: 2021-09-10. Review status: criteria provided, single submitter. Criteria: ACMG Guidelines, 2015. Collection method: clinical testing. Allele origin: germline. Affected: no.

GeneDx
Classification: Benign. Last evaluated: 2021-04-26. Review status: criteria provided, single submitter. Criteria: GeneDx Variant Classification Process June 2021. Collection method: clinical testing. Allele origin: germline. Affected: yes.
Comment: This variant is associated with the following publications: (PMID: 28248968, 22160262)

Athena Diagnostics
Classification: Benign. Last evaluated: 2019-07-15. Review status: criteria provided, single submitter. Criteria: Athena Diagnostics Criteria. Collection method: clinical testing. Allele origin: germline.

Mendelics
Classification: Benign for Spinocerebellar ataxia type 35. Last evaluated: 2019-05-28. Review status: criteria provided, single submitter. Criteria: Mendelics Assertion Criteria 2017. Collection method: clinical testing. Allele origin: unknown.

Illumina Laboratory Services, Illumina
Classification: Benign for Spinocerebellar ataxia type 35. Last evaluated: 2018-01-12. Review status: criteria provided, single submitter. Criteria: ICSL Variant Classification Criteria 13 December 2019. Collection method: clinical testing. Allele origin: germline.
Comment: This variant was observed in the ICSL laboratory as part of a predisposition screen in an ostensibly healthy population. It had not been previously curated by ICSL or reported in the Human Gene Mutation Database (HGMD: prior to June 1st, 2018), and was therefore a candidate for classification through an automated scoring system. Utilizing variant allele frequency, disease prevalence and penetrance estimates, and inheritance mode, an automated score was calculated to assess if this variant is too frequent to cause the disease. Based on the score and internal cut-off values, a variant classified as benign is not then subjected to further curation. The score for this variant resulted in a classification of benign for this disease.

Clinical Genetics DNA and cytogenetics Diagnostics Lab, Erasmus MC, Erasmus Medical Center
Classification: Benign for Spinocerebellar ataxia type 35. Last evaluated: 2015-09-21. Review status: criteria provided, single submitter. Criteria: ACGS Guidelines, 2013. Collection method: clinical testing. Allele origin: germline. Affected: yes. Study: VKGL Data-share Consensus.

Breakthrough Genomics
Classification: Benign. Review status: criteria provided, single submitter. Criteria: ACMG Guidelines, 2015. Collection method: not provided. Allele origin: germline. Inheritance: Autosomal dominant inheritance. Affected: yes.

Diagnostic Laboratory, Department of Genetics, University Medical Center Groningen
Classification: Benign for Spinocerebellar ataxia type 35. Review status: no assertion criteria provided. Collection method: clinical testing. Allele origin: germline. Affected: yes. Study: VKGL Data-share Consensus. Not counted in ClinVar's aggregate classification.

Genetic Services Laboratory, University of Chicago
Classification: Likely benign for AllHighlyPenetrant. Review status: no assertion criteria provided. Collection method: clinical testing. Allele origin: germline. Inheritance: Autosomal dominant inheritance. Not counted in ClinVar's aggregate classification.
Comment: Likely benign based on allele frequency in 1000 Genomes Project or ESP global frequency and its presence in a patient with a rare or unrelated disease phenotype. NOT Sanger confirmed.

Joint Genome Diagnostic Labs from Nijmegen and Maastricht, Radboudumc and MUMC+
Classification: Benign. Review status: no assertion criteria provided. Collection method: clinical testing. Allele origin: germline. Affected: yes. Study: VKGL Data-share Consensus. Not counted in ClinVar's aggregate classification.

NM_198994.3(TGM6):c.172A>G (p.Met58Val)

Gene: TGM6 (transglutaminase 6; plus strand). Cytogenetic location: 20p13.
Variant type: single nucleotide variant.
Coding change: c.172A>G on transcript NM_198994.3 (MANE Select); coding-DNA position 172, A replaced by G.
Protein change: p.Met58Val; replaces methionine 58 with valine.
Molecular consequence: missense variant.
Genome position (GRCh38, 1-based): chr20:2,394,616, A>G. VCF-style: chr20-2394616-A-G. GRCh37 (hg19) VCF-style: chr20-2375262-A-G.
Other names: c.172A>G, p.Met58Val (NM_001254734.2); short protein forms M58V.
Identifiers: ClinVar variation 130585 (VCV000130585.23), dbSNP rs2076405, ClinGen allele CA155710.